The following is an entry in ClinVar:

ClinVar aggregate classification (germline): Uncertain significance. Review status: criteria provided, multiple submitters, no conflicts (2 of 4 stars). 3 submissions from 3 submitters: Uncertain significance (3). Last evaluated 2026-02-10.

Conditions:
Inborn genetic diseases. Identifiers: MedGen C0950123, MeSH D030342.
PCNT-related disorder. Also called: PCNT-related condition.

Allele frequency attached by ClinVar (database versions not stated): gnomAD exomes below 0.00001; gnomAD 0.00001; TOPMed 0.00002.
gnomAD v4.1: 7 of 1,610,496 alleles (0.00043%); highest among the groups gnomAD compares: Admixed American, 0.005%; no homozygotes.

Submissions (3):

PreventionGenetics, part of Exact Sciences
Classification: Uncertain significance for PCNT-related condition. Last evaluated: 2026-02-10. Review status: criteria provided, single submitter. Criteria: ACMG Guidelines, 2015. Collection method: clinical testing. Allele origin: germline.
Comment: The PCNT c.1118T>C variant is predicted to result in the amino acid substitution p.Met373Thr. To our knowledge, this variant has not been reported in the literature or in a large population database (gnomAD), indicating this variant is rare. At this time, the clinical significance of this variant is uncertain due to the absence of conclusive functional and genetic evidence.

Labcorp Genetics (formerly Invitae), Labcorp
Classification: Uncertain significance. Last evaluated: 2025-11-27. Review status: criteria provided, single submitter. Criteria: Invitae Variant Classification Sherloc (09022015). Collection method: clinical testing. Allele origin: germline.
Comment: This sequence change replaces methionine, which is neutral and non-polar, with threonine, which is neutral and polar, at codon 373 of the PCNT protein (p.Met373Thr). This variant is not present in population databases (gnomAD no frequency). This variant has not been reported in the literature in individuals affected with PCNT-related conditions. ClinVar contains an entry for this variant (Variation ID: 2310991). An algorithm developed to predict the effect of missense changes on protein structure and function (PolyPhen-2) suggests that this variant is likely to be disruptive. In summary, the available evidence is currently insufficient to determine the role of this variant in disease. Therefore, it has been classified as a Variant of Uncertain Significance.

Ambry Genetics
Classification: Uncertain significance for Inborn genetic diseases. Last evaluated: 2022-09-07. Review status: criteria provided, single submitter. Criteria: Ambry Variant Classification Scheme 2023. Collection method: clinical testing. Allele origin: germline.

NM_006031.6(PCNT):c.1118T>C (p.Met373Thr)

Gene: PCNT (pericentrin; plus strand). Cytogenetic location: 21q22.3.
Variant type: single nucleotide variant.
Coding change: c.1118T>C on transcript NM_006031.6 (MANE Select); coding-DNA position 1118, T replaced by C.
Protein change: p.Met373Thr; replaces methionine 373 with threonine.
Molecular consequence: missense variant.
Genome position (GRCh38, 1-based): chr21:46,349,097, T>C. VCF-style: chr21-46349097-T-C. GRCh37 (hg19) VCF-style: chr21-47769011-T-C.
Other names: c.764T>C, p.Met255Thr (NM_001315529.2); short protein forms M373T, M255T.
Identifiers: ClinVar variation 2310991 (VCV002310991.4), dbSNP rs1440674869, ClinGen allele CA410555561.